The following is an entry in ClinVar:

ClinVar aggregate classification (germline): Pathogenic (1 of 4 stars; one submission).

Conditions:
Isolated microphthalmia 5. Also called: Posterior Microphthalmia with Retinitis Pigmentosa, Foveoschisis, and Optic Disc Drusen. Identifiers: Orphanet 251279, MedGen C1970236, MONDO:0012605, OMIM 611040.

Submission:

Labcorp Genetics (formerly Invitae), Labcorp
Classification: Pathogenic for Isolated microphthalmia 5. Last evaluated: 2022-02-05. Review status: criteria provided, single submitter. Criteria: Invitae Variant Classification Sherloc (09022015). Collection method: clinical testing. Allele origin: germline.
Comment: For these reasons, this variant has been classified as Pathogenic. This variant has not been reported in the literature in individuals affected with MFRP-related conditions. This variant is not present in population databases (gnomAD no frequency). This sequence change creates a premature translational stop signal (p.Ser149Trpfs*15) in the MFRP gene. It is expected to result in an absent or disrupted protein product. Loss-of-function variants in MFRP are known to be pathogenic (PMID: 12140190, 15976030, 20361016).

Literature cited by the submitters: PubMed 12140190; PubMed 15976030; PubMed 20361016.

NM_031433.4(MFRP):c.431_443dup (p.Ser149fs)

Genes: C1QTNF5 (C1q and TNF related 5; minus strand), MFRP (membrane frizzled-related protein; minus strand). Cytogenetic location: 11q23.3.
Variant type: Duplication.
Coding change: c.431_443dup on transcript NM_031433.4 (MANE Select); coding-DNA positions 431 to 443, 13 bases duplicated (GTGGAGGCCTCCT).
Protein change: p.Ser149fs; shifts the reading frame from serine 149.
Molecular consequence: frameshift variant. On other transcripts: 5 prime UTR variant (1).
Genome position (GRCh38, 1-based): chr11:119,345,618-119,345,630, AGGAGGCCTCCAC duplicated on the plus strand (GTGGAGGCCTCCT on the coding strand, the reverse complement: MFRP is on the minus strand); duplicating any 13 consecutive bases within chr11:119,345,618-119,345,633 gives the same sequence; the c. name uses the placement nearest the transcript's 3' end. VCF-style (leftmost placement, unchanged base first): chr11-119345617-G-GAGGAGGCCTCCAC. GRCh37 (hg19) VCF-style: chr11-119216327-G-GAGGAGGCCTCCAC.
Other names: c.-2206_-2194dup (NM_015645.5); short protein forms S149fs.
Identifiers: ClinVar variation 1452557 (VCV001452557.7), dbSNP rs2135373641, ClinGen allele CA2573146913.